The following is an entry in ClinVar:

NM_007186.6(CEP250):c.7018G>A (p.Gly2340Arg)

Gene: CEP250 (centrosomal protein 250; plus strand). Cytogenetic location: 20q11.22.
Variant type: single nucleotide variant.
Coding change: c.7018G>A on transcript NM_007186.6 (MANE Select); coding-DNA position 7018, G replaced by A.
Protein change: p.Gly2340Arg; replaces glycine 2340 with arginine.
Molecular consequence: missense variant.
Genome position (GRCh38, 1-based): chr20:35,510,007, G>A. VCF-style: chr20-35510007-G-A. GRCh37 (hg19) VCF-style: chr20-34097836-G-A.
Other names: c.5122G>A, p.Gly1708Arg (NM_001318219.1); short protein forms G2340R, G1708R.
Identifiers: ClinVar variation 1426765 (VCV001426765.9), dbSNP rs144859303, ClinGen allele CA9834217.

ClinVar aggregate classification (germline): Uncertain significance. Review status: criteria provided, multiple submitters, no conflicts (2 of 4 stars). 2 submissions from 2 submitters: Uncertain significance (2). Last evaluated 2024-01-22.

Allele frequency attached by ClinVar (database versions not stated): TOPMed 0.00001; gnomAD exomes 0.00002 and 0.00004; ExAC 0.00004; gnomAD 0.00010 and 0.00011; ESP Exome Variant Server 0.00015.
gnomAD v4.1: 52 of 1,614,032 alleles (0.0032%); highest among the groups gnomAD compares: Non-Finnish European, 0.0037%; no homozygotes.

Submissions (2):

Labcorp Genetics (formerly Invitae), Labcorp
Classification: Uncertain significance. Last evaluated: 2024-01-22. Review status: criteria provided, single submitter. Criteria: Invitae Variant Classification Sherloc (09022015). Collection method: clinical testing. Allele origin: germline.
Comment: This sequence change replaces glycine, which is neutral and non-polar, with arginine, which is basic and polar, at codon 2340 of the CEP250 protein (p.Gly2340Arg). This variant is present in population databases (rs144859303, gnomAD 0.02%). This variant has not been reported in the literature in individuals affected with CEP250-related conditions. ClinVar contains an entry for this variant (Variation ID: 1426765). Algorithms developed to predict the effect of missense changes on protein structure and function output the following: SIFT: "Not Available"; PolyPhen-2: "Benign"; Align-GVGD: "Not Available". The arginine amino acid residue is found in multiple mammalian species, which suggests that this missense change does not adversely affect protein function. In summary, the available evidence is currently insufficient to determine the role of this variant in disease. Therefore, it has been classified as a Variant of Uncertain Significance.

Blueprint Genetics
Classification: Uncertain significance. Last evaluated: 2022-05-09. Review status: criteria provided, single submitter. Criteria: ACMG Guidelines, 2015. Collection method: clinical testing. Allele origin: germline.